The following is an entry in ClinVar:

ClinVar aggregate classification (germline): Uncertain significance (1 of 4 stars; one submission).

gnomAD v4.1: 9 of 1,612,076 alleles (0.00056%); highest among the groups gnomAD compares: African/African-American, 0.004%; no homozygotes.

Submission:

Labcorp Genetics (formerly Invitae), Labcorp
Classification: Uncertain significance. Last evaluated: 2025-02-27. Review status: criteria provided, single submitter. Criteria: Invitae Variant Classification Sherloc (09022015). Collection method: clinical testing. Allele origin: germline.
Comment: This sequence change replaces serine, which is neutral and polar, with leucine, which is neutral and non-polar, at codon 507 of the TBX4 protein (p.Ser507Leu). This variant is present in population databases (rs777040245, gnomAD 0.01%). This variant has not been reported in the literature in individuals affected with TBX4-related conditions. Invitae Evidence Modeling of protein sequence and biophysical properties (such as structural, functional, and spatial information, amino acid conservation, physicochemical variation, residue mobility, and thermodynamic stability) indicates that this missense variant is not expected to disrupt TBX4 protein function with a negative predictive value of 95%. In summary, the available evidence is currently insufficient to determine the role of this variant in disease. Therefore, it has been classified as a Variant of Uncertain Significance.

NM_001321120.2(TBX4):c.1523C>T (p.Ser508Leu)

Gene: TBX4 (T-box transcription factor 4; plus strand). Cytogenetic location: 17q23.2.
Variant type: single nucleotide variant.
Coding change: c.1523C>T on transcript NM_001321120.2 (MANE Select); coding-DNA position 1523, C replaced by T.
Protein change: p.Ser508Leu; replaces serine 508 with leucine.
Molecular consequence: missense variant.
Genome position (GRCh38, 1-based): chr17:61,483,398, C>T. VCF-style: chr17-61483398-C-T. GRCh37 (hg19) VCF-style: chr17-59560759-C-T.
Other names: c.1520C>T, p.Ser507Leu (NM_018488.3); short protein forms S507L, S508L.
Identifiers: ClinVar variation 4778035 (VCV004778035.1).